The following is an entry in ClinVar:

NM_001029883.3(PCARE):c.385T>G (p.Phe129Val)

Gene: PCARE (photoreceptor cilium actin regulator; minus strand). Cytogenetic location: 2p23.2.
Variant type: single nucleotide variant.
Coding change: c.385T>G on transcript NM_001029883.3 (MANE Select); coding-DNA position 385, T replaced by G.
Protein change: p.Phe129Val; replaces phenylalanine 129 with valine.
Molecular consequence: missense variant.
Genome position (GRCh38, 1-based): chr2:29,073,877, A>C on the plus strand (T>G on the coding strand, the complement: PCARE is on the minus strand). VCF-style: chr2-29073877-A-C. GRCh37 (hg19) VCF-style: chr2-29296743-A-C.
Other names: short protein forms F129V.
Identifiers: ClinVar variation 857777 (VCV000857777.7), dbSNP rs201413296, ClinGen allele CA1592662.

ClinVar aggregate classification (germline): Uncertain significance. Review status: criteria provided, multiple submitters, no conflicts (2 of 4 stars). 3 submissions from 3 submitters: Uncertain significance (3). Last evaluated 2026-03-13.

Conditions:
PCARE-related disorder. Also called: PCARE-related condition.

Allele frequency attached by ClinVar (database versions not stated): gnomAD exomes 0.00004; ExAC 0.00005; 1000 Genomes Project 30x 0.00016; 1000 Genomes Project 0.00020; TOPMed 0.00022; ESP Exome Variant Server 0.00024; gnomAD 0.00025 and 0.00027.
gnomAD v4.1: 60 of 1,614,202 alleles (0.0037%); highest among the groups gnomAD compares: African/African-American, 0.079%; no homozygotes.

Submissions (3):

PreventionGenetics, part of Exact Sciences
Classification: Uncertain significance for PCARE-related condition. Last evaluated: 2026-03-13. Review status: criteria provided, single submitter. Criteria: ACMG Guidelines, 2015. Collection method: clinical testing. Allele origin: germline.
Comment: The PCARE c.385T>G variant is predicted to result in the amino acid substitution p.Phe129Val. To our knowledge, this variant has not been reported in the literature. This variant is reported in 0.070% of alleles in individuals of African descent in gnomAD, which may be too frequent to be a primary cause of disease. Although we suspect that this variant may be benign, at this time, the clinical significance of this variant is uncertain due to the absence of conclusive functional and genetic evidence.

Blueprint Genetics
Classification: Uncertain significance. Last evaluated: 2024-05-14. Review status: criteria provided, single submitter. Criteria: ACMG Guidelines, 2015. Collection method: clinical testing. Allele origin: germline.

Labcorp Genetics (formerly Invitae), Labcorp
Classification: Uncertain significance. Last evaluated: 2022-10-13. Review status: criteria provided, single submitter. Criteria: Invitae Variant Classification Sherloc (09022015). Collection method: clinical testing. Allele origin: germline.
Comment: This sequence change replaces phenylalanine, which is neutral and non-polar, with valine, which is neutral and non-polar, at codon 129 of the PCARE protein (p.Phe129Val). This variant is present in population databases (rs201413296, gnomAD 0.07%). This variant has not been reported in the literature in individuals affected with PCARE-related conditions. ClinVar contains an entry for this variant (Variation ID: 857777). Algorithms developed to predict the effect of missense changes on protein structure and function are either unavailable or do not agree on the potential impact of this missense change (SIFT: "Deleterious"; PolyPhen-2: "Possibly Damaging"; Align-GVGD: "Class C0"). In summary, the available evidence is currently insufficient to determine the role of this variant in disease. Therefore, it has been classified as a Variant of Uncertain Significance.